The following is an entry in ClinVar:

NM_005633.4(SOS1):c.798A>C (p.Thr266=)

Gene: SOS1 (SOS Ras/Rac guanine nucleotide exchange factor 1; minus strand). Cytogenetic location: 2p22.1.
Variant type: single nucleotide variant.
Coding change: c.798A>C on transcript NM_005633.4 (MANE Select); coding-DNA position 798, A replaced by C.
Protein change: p.Thr266=; no amino-acid change (threonine 266 retained).
Molecular consequence: synonymous variant.
Genome position (GRCh38, 1-based): chr2:39,051,210, T>G on the plus strand (A>C on the coding strand, the complement: SOS1 is on the minus strand). VCF-style: chr2-39051210-T-G. GRCh37 (hg19) VCF-style: chr2-39278351-T-G.
Other names: c.777A>C, p.Thr259= (NM_001382394.1); c.798A>C, p.Thr266= (NM_001382395.1).
Identifiers: ClinVar variation 378632 (VCV000378632.30), dbSNP rs756044708, ClinGen allele CA1624721.

ClinVar aggregate classification (germline): Likely benign. Review status: criteria provided, multiple submitters, no conflicts (2 of 4 stars). 5 submissions from 5 submitters: Likely benign (5). Last evaluated 2025-12-17.

Conditions:
Cardiovascular phenotype. Identifiers: MedGen CN230736.
RASopathy. Also called: rasopathies; Noonan spectrum disorder. Identifiers: Orphanet 536391, MedGen C5555857, MONDO:0021060.

Allele frequency attached by ClinVar (database versions not stated): gnomAD exomes below 0.00001 and 0.00002; TOPMed below 0.00001; ExAC 0.00001; gnomAD 0.00001.
gnomAD v4.1: 29 of 1,613,294 alleles (0.0018%); highest among the groups gnomAD compares: Middle Eastern, 0.016%; no homozygotes.

Submissions (5):

Labcorp Genetics (formerly Invitae), Labcorp
Classification: Likely benign for RASopathy. Last evaluated: 2025-12-17. Review status: criteria provided, single submitter. Criteria: Invitae Variant Classification Sherloc (09022015). Collection method: clinical testing. Allele origin: germline.

Women's Health and Genetics/Laboratory Corporation of America, LabCorp
Classification: Likely benign. Last evaluated: 2025-10-13. Review status: criteria provided, single submitter. Criteria: LabCorp Variant Classification Summary - May 2015. Collection method: clinical testing. Allele origin: germline.

Ambry Genetics
Classification: Likely benign for Cardiovascular phenotype. Last evaluated: 2025-05-05. Review status: criteria provided, single submitter. Criteria: Ambry Variant Classification Scheme 2023. Collection method: clinical testing. Allele origin: germline.

CeGaT Center for Human Genetics Tuebingen
Classification: Likely benign. Last evaluated: 2022-07-01. Review status: criteria provided, single submitter. Criteria: CeGaT Center For Human Genetics Tuebingen Variant Classification Criteria Version 2. Collection method: clinical testing. Allele origin: germline. Affected: yes. Observed: 1 variant allele.
Comment: SOS1: BP4, BP7

GeneDx
Classification: Likely benign. Last evaluated: 2017-05-15. Review status: criteria provided, single submitter. Criteria: GeneDx Variant Classification (06012015). Collection method: clinical testing. Allele origin: germline. Affected: yes.
Comment: This variant is considered likely benign or benign based on one or more of the following criteria: it is a conservative change, it occurs at a poorly conserved position in the protein, it is predicted to be benign by multiple in silico algorithms, and/or has population frequency not consistent with disease.